The following is an entry in ClinVar:

ClinVar aggregate classification (germline): Uncertain significance (1 of 4 stars; one submission).

Conditions:
IFITM5-related disorder. Also called: IFITM5-related condition.

Submission:

PreventionGenetics, part of Exact Sciences
Classification: Uncertain significance for IFITM5-related condition. Last evaluated: 2026-06-15. Review status: criteria provided, single submitter. Criteria: ACMG Guidelines, 2015. Collection method: clinical testing. Allele origin: germline.
Comment: The IFITM5 c.320G>A variant is predicted to result in the amino acid substitution p.Gly107Asp. To our knowledge, this variant has not been reported in the literature or in a large population database (gnomAD), indicating this variant is rare. At this time, the clinical significance of this variant is uncertain due to the absence of conclusive functional and genetic evidence.

NM_001025295.3(IFITM5):c.320G>A (p.Gly107Asp)

Gene: IFITM5 (interferon induced transmembrane protein 5; minus strand). Cytogenetic location: 11p15.5.
Variant type: single nucleotide variant.
Coding change: c.320G>A on transcript NM_001025295.3 (MANE Select); coding-DNA position 320, G replaced by A.
Protein change: p.Gly107Asp; replaces glycine 107 with aspartic acid.
Molecular consequence: missense variant.
Genome position (GRCh38, 1-based): chr11:298,580, C>T on the plus strand (G>A on the coding strand, the complement: IFITM5 is on the minus strand). VCF-style: chr11-298580-C-T. GRCh37 (hg19) VCF-style: chr11-298580-C-T.
Other names: short protein forms G107D.
Identifiers: ClinVar variation 4996291 (VCV004996291.1).